The following is an entry in ClinVar:

ClinVar aggregate classification (germline): Likely benign (1 of 4 stars; one submission).

Allele frequency attached by ClinVar (database versions not stated): TOPMed 0.00004; gnomAD 0.00005; ESP Exome Variant Server 0.00008; ExAC 0.00020.
gnomAD v4.1: 94 of 1,613,800 alleles (0.0058%); highest among the groups gnomAD compares: Middle Eastern, 0.033%; no homozygotes.

Submission:

CeGaT Center for Human Genetics Tuebingen
Classification: Likely benign. Last evaluated: 2026-03-01. Review status: criteria provided, single submitter. Criteria: CeGaT Center For Human Genetics Tuebingen Variant Classification Criteria Version 2. Collection method: clinical testing. Allele origin: germline. Affected: yes. Observed: 2 variant alleles.
Comment: CAMK2A: BP4, BP7

NM_015981.4(CAMK2A):c.702G>A (p.Ser234=)

Gene: CAMK2A (calcium/calmodulin dependent protein kinase II alpha; minus strand). Cytogenetic location: 5q32.
Variant type: single nucleotide variant.
Coding change: c.702G>A on transcript NM_015981.4 (MANE Select); coding-DNA position 702, G replaced by A.
Protein change: p.Ser234=; no amino-acid change (serine 234 retained).
Molecular consequence: synonymous variant.
Genome position (GRCh38, 1-based): chr5:150,250,802, C>T on the plus strand (G>A on the coding strand, the complement: CAMK2A is on the minus strand). VCF-style: chr5-150250802-C-T. GRCh37 (hg19) VCF-style: chr5-149630365-C-T.
Other names: c.702G>A, p.Ser234= (NM_001363989.1, NM_001363990.1, NM_001369025.2 and 1 more transcripts).
Identifiers: ClinVar variation 2655920 (VCV002655920.24), dbSNP rs371411676, ClinGen allele CA3509764.
Genomic context (GRCh38, chr5:150,250,802, plus strand): 5'-AATGGTCAGCATCTTATTGATCAGATCCTTGGCTTCCGGGGTGACAGTGTCCCATTCCGG[C>T]GATGGGAACTGGAAGGGGCAGAGAGGCCAGGTTTGCCCAGCCTGCCCCAGGCCACCCCTG-3'
Protein context (NP_057065.2, residues 224-244): QIKAGAYDFP[Ser234=]PEWDTVTPEA